The following is an entry in ClinVar:

NM_000321.3(RB1):c.939+3A>G

Gene: RB1 (RB transcriptional corepressor 1; plus strand). Cytogenetic location: 13q14.2.
Variant type: single nucleotide variant.
Coding change: c.939+3A>G on transcript NM_000321.3 (MANE Select); 3 bases into the intron after coding-DNA position 939, A replaced by G.
Molecular consequence: intron variant.
Genome position (GRCh38, 1-based): chr13:48,364,974, A>G. VCF-style: chr13-48364974-A-G. GRCh37 (hg19) VCF-style: chr13-48939110-A-G.
Other names: c.939+3A>G (NM_001407165.1, NM_001407166.1).
Identifiers: ClinVar variation 4056217 (VCV004056217.2).
Genomic context (GRCh38, chr13:48,364,974, plus strand): 5'-AAATTTTATACCTTTTATGAATTCTCTTGGACTTGTAACATCTAATGGACTTCCAGAGGT[A>G]ATCTGAAAGGAAATTTAATAAAATATTAATGTTTTGAGACTGTGGAGGGAGGATAATTGT-3'

ClinVar aggregate classification (germline): Uncertain significance. Review status: criteria provided, multiple submitters, no conflicts (2 of 4 stars). 2 submissions from 2 submitters: Uncertain significance (2). Last evaluated 2026-01-26.

Conditions:
Retinoblastoma (RB1). Also called: RETINOBLASTOMA, SOMATIC. Identifiers: Orphanet 790, MedGen C0035335, MeSH D012175, MONDO:0008380, OMIM 180200, HP:0009919. Disease mechanism: loss of function. Inheritance: Both sporadic and heritable forms are tested..
Hereditary cancer-predisposing syndrome. Also called: Neoplastic Syndromes, Hereditary; Tumor predisposition; Hereditary neoplastic syndrome; Hereditary Cancer Syndrome. Identifiers: Orphanet 140162, MedGen C0027672, MeSH D009386, MONDO:0015356.

Submissions (2):

Ambry Genetics
Classification: Uncertain significance for Hereditary cancer-predisposing syndrome. Last evaluated: 2026-01-26. Review status: criteria provided, single submitter. Criteria: Ambry Variant Classification Scheme 2023. Collection method: clinical testing. Allele origin: germline.
Comment: The c.939+3A>G intronic variant results from an A to G substitution 3 nucleotides after coding exon 9 in the RB1 gene. This nucleotide position is highly conserved in available vertebrate species. In silico splice site analysis predicts that this alteration will weaken the native splice donor site. Based on the available evidence, the clinical significance of this variant remains unclear.

Molecular Pathology, Peter Maccallum Cancer Centre
Classification: Uncertain significance for Retinoblastoma. Last evaluated: 2025-03-03. Review status: criteria provided, single submitter. Criteria: ACMG Guidelines, 2015. Collection method: clinical testing. Allele origin: germline. Inheritance: Autosomal dominant inheritance.